The following is an entry in ClinVar:

ClinVar aggregate classification (germline): Uncertain significance. Review status: criteria provided, multiple submitters, no conflicts (2 of 4 stars). 2 submissions from 2 submitters: Uncertain significance (2). Last evaluated 2025-08-12.

Conditions:
Baller-Gerold syndrome (BGS). Also called: CRANIOSYNOSTOSIS WITH RADIAL DEFECTS. Identifiers: Orphanet 1225, MedGen C0265308, MONDO:0009039, OMIM 218600.
Inborn genetic diseases. Identifiers: MedGen C0950123, MeSH D030342.

Submissions (2):

Ambry Genetics
Classification: Uncertain significance for Inborn genetic diseases. Last evaluated: 2025-08-12. Review status: criteria provided, single submitter. Criteria: Ambry Variant Classification Scheme 2023. Collection method: clinical testing. Allele origin: germline.
Comment: The p.S217L variant (also known as c.650C>T), located in coding exon 5 of the RECQL4 gene, results from a C to T substitution at nucleotide position 650. The serine at codon 217 is replaced by leucine, an amino acid with dissimilar properties. This amino acid position is conserved. In addition, the in silico prediction for this alteration is inconclusive. Based on the available evidence, the clinical significance of this variant remains unclear.

Labcorp Genetics (formerly Invitae), Labcorp
Classification: Uncertain significance for Baller-Gerold syndrome. Last evaluated: 2023-08-27. Review status: criteria provided, single submitter. Criteria: Invitae Variant Classification Sherloc (09022015). Collection method: clinical testing. Allele origin: germline.
Comment: This variant is not present in population databases (gnomAD no frequency). This variant has not been reported in the literature in individuals affected with RECQL4-related conditions. Advanced modeling of protein sequence and biophysical properties (such as structural, functional, and spatial information, amino acid conservation, physicochemical variation, residue mobility, and thermodynamic stability) performed at Invitae indicates that this missense variant is not expected to disrupt RECQL4 protein function. In summary, the available evidence is currently insufficient to determine the role of this variant in disease. Therefore, it has been classified as a Variant of Uncertain Significance. This sequence change replaces serine, which is neutral and polar, with leucine, which is neutral and non-polar, at codon 217 of the RECQL4 protein (p.Ser217Leu).

NM_004260.4(RECQL4):c.650C>T (p.Ser217Leu)

Gene: RECQL4 (RecQ like helicase 4; minus strand). Cytogenetic location: 8q24.3.
Variant type: single nucleotide variant.
Coding change: c.650C>T on transcript NM_004260.4 (MANE Select); coding-DNA position 650, C replaced by T.
Protein change: p.Ser217Leu; replaces serine 217 with leucine.
Molecular consequence: missense variant. On other transcripts: 5 prime UTR variant (15), non-coding transcript variant (3), intron variant (3).
Genome position (GRCh38, 1-based): chr8:144,516,469, G>A on the plus strand (C>T on the coding strand, the complement: RECQL4 is on the minus strand). VCF-style: chr8-144516469-G-A. GRCh37 (hg19) VCF-style: chr8-145741853-G-A.
Other names: c.650C>T (NM_004260.3); c.650C>T, p.Ser217Leu (NM_001413017.1, NM_001413018.1, NM_001413019.1 and 4 more transcripts); c.-422C>T (NM_001413022.1, NM_001413023.1, NM_001413024.1 and 5 more transcripts); c.521C>T, p.Ser174Leu (NM_001413025.1); c.-484C>T (NM_001413027.1, NM_001413030.1, NM_001413031.1 and 2 more transcripts); c.-326C>T (NM_001413034.1); c.-691C>T (NM_001413043.1); c.355-56C>T (NM_001413029.1); and 1 more; short protein forms S174L, S217L.
Identifiers: ClinVar variation 3002049 (VCV003002049.4), dbSNP rs2538094094, ClinGen allele CA372689901.